The following is an entry in ClinVar:

NM_007294.4(BRCA1):c.3494T>G (p.Phe1165Cys)

Genes: BRCA1 (BRCA1 DNA repair associated; minus strand), LOC126862571 (BRD4-independent group 4 enhancer GRCh37_chr17:41243136-41244335; plus strand). Cytogenetic location: 17q21.31.
Variant type: single nucleotide variant.
Coding change: c.3494T>G on transcript NM_007294.4 (MANE Select); coding-DNA position 3494, T replaced by G.
Protein change: p.Phe1165Cys; replaces phenylalanine 1165 with cysteine.
Molecular consequence: missense variant. On other transcripts: intron variant (135).
Genome position (GRCh38, 1-based): chr17:43,092,037, A>C on the plus strand (T>G on the coding strand, the complement: BRCA1 is on the minus strand). VCF-style: chr17-43092037-A-C. GRCh37 (hg19) VCF-style: chr17-41244054-A-C.
Other names: c.3494T>G, p.Phe1165Cys (NM_001407641.1, NM_001407854.1, NM_001407858.1 and 30 more transcripts); c.3353T>G, p.Phe1118Cys (NM_001407751.1, NM_001407752.1, NM_001407750.1 and 29 more transcripts); c.3350T>G, p.Phe1117Cys (NM_001407747.1, NM_001407748.1, NM_001407838.1 and 20 more transcripts); c.3281T>G, p.Phe1094Cys (NM_001407853.1, NM_001407894.1, NM_001407895.1 and 9 more transcripts); c.3371T>G, p.Phe1124Cys (NM_001407863.1, NM_001407648.1, NM_001407919.1 and 19 more transcripts); c.3293T>G, p.Phe1098Cys (NM_001407862.1); c.3491T>G, p.Phe1164Cys (NM_001407861.1, NM_001407860.1, NM_001407645.1 and 22 more transcripts); c.3284T>G, p.Phe1095Cys (NM_001407879.1, NM_001407881.1, NM_001407882.1 and 13 more transcripts); and 41 more; short protein forms F1077C, F1098C, F1139C, F1162C, F869C, F997C, F1037C, F1053C.
Identifiers: ClinVar variation 1731973 (VCV001731973.4), dbSNP rs2154308720, ClinGen allele CA10594986.

ClinVar aggregate classification (germline): Conflicting classifications of pathogenicity. Review status: criteria provided, conflicting classifications (1 of 4 stars). 2 submissions from 2 submitters: Uncertain significance (1); Likely benign (1). Last evaluated 2023-03-23.

Conditions:
Hereditary cancer-predisposing syndrome. Also called: Neoplastic Syndromes, Hereditary; Tumor predisposition; Hereditary Cancer Syndrome; Hereditary neoplastic syndrome. Identifiers: Orphanet 140162, MedGen C0027672, MeSH D009386, MONDO:0015356.

Submissions (2):

University of Washington Department of Laboratory Medicine, University of Washington
Classification: Likely benign for Hereditary cancer-predisposing syndrome. Last evaluated: 2023-03-23. Review status: criteria provided, single submitter. Criteria: Dines et al. (Genet Med. 2020). Collection method: curation. Allele origin: germline.
Comment: Missense variant in a coldspot region where missense variants are very unlikely to be pathogenic (PMID:31911673).

BRCA1 coldspot (exon 11 using historical exon numbering). Reclassification based on statistical prior probability

Ambry Genetics
Classification: Uncertain significance for Hereditary cancer-predisposing syndrome. Last evaluated: 2022-03-12. Review status: criteria provided, single submitter. Criteria: Ambry Variant Classification Scheme 2023. Collection method: clinical testing. Allele origin: germline.
Comment: The p.F1165C variant (also known as c.3494T>G), located in coding exon 9 of the BRCA1 gene, results from a T to G substitution at nucleotide position 3494. The phenylalanine at codon 1165 is replaced by cysteine, an amino acid with highly dissimilar properties. This amino acid position is conserved. In addition, this alteration is predicted to be deleterious by in silico analysis. Since supporting evidence is limited at this time, the clinical significance of this alteration remains unclear.